The following is an entry in ClinVar:

NM_016333.4(SRRM2):c.7899T>C (p.Ser2633=)

Gene: SRRM2 (serine/arginine repetitive matrix 2; plus strand). Cytogenetic location: 16p13.3.
Variant type: single nucleotide variant.
Coding change: c.7899T>C on transcript NM_016333.4 (MANE Select); coding-DNA position 7899, T replaced by C.
Protein change: p.Ser2633=; no amino-acid change (serine 2633 retained).
Molecular consequence: synonymous variant.
Genome position (GRCh38, 1-based): chr16:2,769,162, T>C. VCF-style: chr16-2769162-T-C. GRCh37 (hg19) VCF-style: chr16-2819163-T-C.
Identifiers: ClinVar variation 769891 (VCV000769891.28), dbSNP rs149101693, ClinGen allele CA7849327.

ClinVar aggregate classification (germline): Benign/Likely benign. Review status: criteria provided, multiple submitters, no conflicts (2 of 4 stars). 2 submissions from 2 submitters: Benign (1); Likely benign (1). Last evaluated 2026-09-01.

Allele frequency attached by ClinVar (database versions not stated): TOPMed 0.00581; ESP Exome Variant Server 0.00739; gnomAD exomes 0.00780 and 0.00506; 1000 Genomes Project 0.00240; gnomAD 0.00507 and 0.00517; ExAC 0.00532.
gnomAD v4.1: 12,079 of 1,600,652 alleles (0.75%); highest among the groups gnomAD compares: Non-Finnish European, 0.93%; 69 homozygotes.

Submissions (2):

CeGaT Center for Human Genetics Tuebingen
Classification: Likely benign. Last evaluated: 2026-09-01. Review status: criteria provided, single submitter. Criteria: CeGaT Center For Human Genetics Tuebingen Variant Classification Criteria Version 2. Collection method: clinical testing. Allele origin: germline. Affected: yes. Observed: 17 variant alleles.
Comment: SRRM2: BP4, BP7, BS2

Labcorp Genetics (formerly Invitae), Labcorp
Classification: Benign. Last evaluated: 2019-12-31. Review status: criteria provided, single submitter. Criteria: Invitae Variant Classification Sherloc (09022015). Collection method: clinical testing. Allele origin: germline.